The following is an entry in ClinVar:

ClinVar aggregate classification (germline): Conflicting classifications of pathogenicity. Review status: criteria provided, conflicting classifications (1 of 4 stars). 4 submissions from 4 submitters: Uncertain significance (1); Benign (1); Likely benign (2). Last evaluated 2025-05-27.

Conditions:
JAG1-related disorder. Also called: JAG1-related disorders; JAG1-related condition.
Alagille syndrome due to a JAG1 point mutation. Also called: Alagille Syndrome 1; HEPATIC DUCTULAR HYPOPLASIA, SYNDROMATIC; JAG1-Related Alagille Syndrome. Identifiers: Orphanet 261619, Orphanet 52, MedGen C1956125, MONDO:0016862, OMIM 118450.

Allele frequency attached by ClinVar (database versions not stated): TOPMed 0.00002; gnomAD exomes 0.00008 and 0.00017; ExAC 0.00011; gnomAD 0.00015 and 0.00016.
gnomAD v4.1: 133 of 1,612,476 alleles (0.0082%); highest among the groups gnomAD compares: East Asian, 0.0022%; no homozygotes.

Submissions (4):

PreventionGenetics, part of Exact Sciences
Classification: Likely benign for JAG1-related condition. Last evaluated: 2025-05-27. Review status: criteria provided, single submitter. Criteria: ACMG Guidelines, 2015. Collection method: clinical testing. Allele origin: germline.
Comment: This variant is classified as likely benign based on ACMG/AMP sequence variant interpretation guidelines (Richards et al. 2015 PMID: 25741868, with internal and published modifications).

Labcorp Genetics (formerly Invitae), Labcorp
Classification: Benign for Alagille syndrome due to a JAG1 point mutation. Last evaluated: 2025-03-05. Review status: criteria provided, single submitter. Criteria: Invitae Variant Classification Sherloc (09022015). Collection method: clinical testing. Allele origin: germline.

Blueprint Genetics
Classification: Likely benign. Last evaluated: 2023-08-15. Review status: criteria provided, single submitter. Criteria: ACMG Guidelines, 2015. Collection method: clinical testing. Allele origin: germline.

CeGaT Center for Human Genetics Tuebingen
Classification: Uncertain significance. Last evaluated: 2022-11-01. Review status: criteria provided, single submitter. Criteria: CeGaT Center For Human Genetics Tuebingen Variant Classification Criteria Version 2. Collection method: clinical testing. Allele origin: germline. Affected: yes. Observed: 1 variant allele.
Comment: JAG1: PP2, BP4

NM_000214.3(JAG1):c.2596A>G (p.Met866Val)

Gene: JAG1 (jagged canonical Notch ligand 1; minus strand). Cytogenetic location: 20p12.2.
Variant type: single nucleotide variant.
Coding change: c.2596A>G on transcript NM_000214.3 (MANE Select); coding-DNA position 2596, A replaced by G.
Protein change: p.Met866Val; replaces methionine 866 with valine.
Molecular consequence: missense variant.
Genome position (GRCh38, 1-based): chr20:10,641,869, T>C on the plus strand (A>G on the coding strand, the complement: JAG1 is on the minus strand). VCF-style: chr20-10641869-T-C. GRCh37 (hg19) VCF-style: chr20-10622517-T-C.
Other names: c.2596A>G (NM_000214.2); short protein forms M866V.
Identifiers: ClinVar variation 1528421 (VCV001528421.33), dbSNP rs746108409, ClinGen allele CA9764439.